The following is an entry in ClinVar:

NM_001267550.2(TTN):c.100457C>T (p.Thr33486Ile)

Genes: TTN-AS1 (TTN antisense RNA 1; plus strand), TTN (titin; minus strand). Cytogenetic location: 2q31.2.
Variant type: single nucleotide variant.
Coding change: c.100457C>T on transcript NM_001267550.2 (MANE Select); coding-DNA position 100457, C replaced by T.
Protein change: p.Thr33486Ile; replaces threonine 33486 with isoleucine.
Molecular consequence: missense variant.
Genome position (GRCh38, 1-based): chr2:178,536,290, G>A on the plus strand (C>T on the coding strand, the complement: TTN is on the minus strand). VCF-style: chr2-178536290-G-A. GRCh37 (hg19) VCF-style: chr2-179401017-G-A.
Other names: c.95534C>T, p.Thr31845Ile (NM_001256850.1); c.73262C>T, p.Thr24421Ile (NM_003319.4); c.92753C>T, p.Thr30918Ile (NM_133378.4); c.73637C>T, p.Thr24546Ile (NM_133432.3); c.73838C>T, p.Thr24613Ile (NM_133437.4); short protein forms T24613I, T33486I, T24421I, T24546I, T30918I, T31845I.
Identifiers: ClinVar variation 1758333 (VCV001758333.5), dbSNP rs1024625225, ClinGen allele CA60960752.

ClinVar aggregate classification (germline): Uncertain significance. Review status: criteria provided, multiple submitters, no conflicts (2 of 4 stars). 2 submissions from 2 submitters: Uncertain significance (2). Last evaluated 2020-03-17.

Conditions:
Cardiovascular phenotype. Identifiers: MedGen CN230736.

Allele frequency attached by ClinVar (database versions not stated): gnomAD 0.00001; TOPMed 0.00002.
gnomAD v4.1: 3 of 1,613,584 alleles (0.00019%); highest among the groups gnomAD compares: Admixed American, 0.0033%; no homozygotes.

Submissions (2):

Ambry Genetics
Classification: Uncertain significance for Cardiovascular phenotype. Last evaluated: 2020-03-17. Review status: criteria provided, single submitter. Criteria: Ambry Variant Classification Scheme 2023. Collection method: clinical testing. Allele origin: germline.
Comment: The p.T24421I variant (also known as c.73262C>T), located in coding exon 184 of the TTN gene, results from a C to T substitution at nucleotide position 73262. The threonine at codon 24421 is replaced by isoleucine, an amino acid with similar properties. This amino acid position is not well conserved in available vertebrate species, and isoleucine is the reference amino acid in other vertebrate species. In addition, this alteration is predicted to be tolerated by in silico analysis. Since supporting evidence is limited at this time, the clinical significance of this alteration remains unclear.

Revvity Omics, Revvity
Classification: Uncertain significance. Last evaluated: 2019-04-10. Review status: criteria provided, single submitter. Criteria: ACMG Guidelines, 2015. Collection method: clinical testing. Allele origin: germline.